The following is an entry in ClinVar:

NM_004260.4(RECQL4):c.2459C>T (p.Pro820Leu)

Gene: RECQL4 (RecQ like helicase 4; minus strand). Cytogenetic location: 8q24.3.
Variant type: single nucleotide variant.
Coding change: c.2459C>T on transcript NM_004260.4 (MANE Select); coding-DNA position 2459, C replaced by T.
Protein change: p.Pro820Leu; replaces proline 820 with leucine.
Molecular consequence: missense variant.
Genome position (GRCh38, 1-based): chr8:144,513,222, G>A on the plus strand (C>T on the coding strand, the complement: RECQL4 is on the minus strand). VCF-style: chr8-144513222-G-A. GRCh37 (hg19) VCF-style: chr8-145738605-G-A.
Other names: short protein forms P820L.
Identifiers: ClinVar variation 1378519 (VCV001378519.6), dbSNP rs749090018, ClinGen allele CA372677866.

ClinVar aggregate classification (germline): Uncertain significance (1 of 4 stars; one submission).

Conditions:
Baller-Gerold syndrome (BGS). Also called: CRANIOSYNOSTOSIS WITH RADIAL DEFECTS. Identifiers: Orphanet 1225, MedGen C0265308, MONDO:0009039, OMIM 218600.

Submission:

Labcorp Genetics (formerly Invitae), Labcorp
Classification: Uncertain significance for Baller-Gerold syndrome. Last evaluated: 2023-06-23. Review status: criteria provided, single submitter. Criteria: Invitae Variant Classification Sherloc (09022015). Collection method: clinical testing. Allele origin: germline.
Comment: ClinVar contains an entry for this variant (Variation ID: 1378519). Advanced modeling of protein sequence and biophysical properties (such as structural, functional, and spatial information, amino acid conservation, physicochemical variation, residue mobility, and thermodynamic stability) performed at Invitae indicates that this missense variant is expected to disrupt RECQL4 protein function. In summary, the available evidence is currently insufficient to determine the role of this variant in disease. Therefore, it has been classified as a Variant of Uncertain Significance. This variant has not been reported in the literature in individuals affected with RECQL4-related conditions. This sequence change replaces proline, which is neutral and non-polar, with leucine, which is neutral and non-polar, at codon 820 of the RECQL4 protein (p.Pro820Leu). This variant is not present in population databases (gnomAD no frequency).